The following is an entry in ClinVar:

ClinVar aggregate classification (germline): Pathogenic. Review status: criteria provided, multiple submitters, no conflicts (2 of 4 stars). 10 submissions from 10 submitters: Pathogenic (8). 2 of the submissions do not count toward it. Last evaluated 2026-10-14.

Conditions:
MUT-related disorders.
Methylmalonic aciduria due to complete methylmalonyl-CoA mutase deficiency.
Methylmalonic acidemia (MMA). Also called: Isolated Methylmalonic Acidemia. Identifiers: MedGen C0268583, MeSH C537358, MONDO:0002012, HP:0002912.
Methylmalonic aciduria due to methylmalonyl-CoA mutase deficiency (MAMM). Also called: Methylmalonic aciduria, mut type. Identifiers: Orphanet 27, MedGen C1855114, MONDO:0009612, OMIM 251000.

Allele frequency attached by ClinVar (database versions not stated): gnomAD exomes 0.00002 and 0.00003; ExAC 0.00003; gnomAD 0.00004 and 0.00005; TOPMed 0.00004.
gnomAD v4.1: 53 of 1,613,496 alleles (0.0033%); highest among the groups gnomAD compares: African/African-American, 0.008%; no homozygotes.

Submissions (10):

GeneDx
Classification: Pathogenic. Last evaluated: 2026-10-14. Review status: criteria provided, single submitter. Criteria: GeneDx Variant Classification Process June 2021. Collection method: clinical testing. Allele origin: germline.
Comment: Not observed at significant frequency in large population cohorts (gnomAD); In silico analysis supports that this missense variant has a deleterious effect on protein structure/function; This variant is associated with the following publications: (PMID: 31525265, 35361390, 20449661, 25959030, 17113806, 31622506, 32754920, 38128819, 37420116, 39306609, 39380106, 37316190, 39075538, 36717752, 34668645, 17957493, 24059531, 17075691, 26270765, 20301409, 27167370, 26454439, 27751223, 26420839, 16281286, 15781199)

3billion
Classification: Pathogenic for Methylmalonic aciduria due to methylmalonyl-CoA mutase deficiency. Last evaluated: 2026-01-21. Review status: criteria provided, single submitter. Criteria: ACMG Guidelines, 2015. Collection method: clinical testing. Allele origin: germline. Affected: yes.
Comment: The variant is observed at an extremely low frequency in the gnomAD v4.1.0 dataset (total allele frequency: 0.003%). Predicted Consequence/Location: Missense variant In silico tool predictions suggest damaging effect of the variant on gene or gene product [REVEL: 0.97 (>=0.6, sensitivity 0.68 and specificity 0.92); 3Cnet: 0.99 (> 0.75, sensitivity 0.96 and precision 0.92)]. The same nucleotide change resulting in the same amino acid change has been previously reported as pathogenic/likely pathogenic with strong evidence (ClinVar ID: VCV000218989 /3billion dataset). The variant has been reported to be in trans with a pathogenic variant as either compound heterozygous or homozygous in at least 4 similarly affected unrelated individuals (PMID: 16281286). A different missense change at the same codon (p.Arg369His) has been reported as pathogenic/likely pathogenic with strong evidence (ClinVar ID: VCV000203846 /PMID: 9285782). Therefore, this variant is classified as Pathogenic according to the recommendation of ACMG/AMP guideline.

Natera, Inc.
Classification: Pathogenic for Methylmalonic aciduria due to complete methylmalonyl-CoA mutase deficiency. Last evaluated: 2025-07-11. Review status: criteria provided, single submitter. Criteria: Natera Variant Classification Schema (03/2026). Collection method: clinical testing. Allele origin: germline.
Comment: The c.1105C>T variant in MMUT is a missense variant predicted to cause substitution of arginine to cysteine at amino acid 369. This variant is rare in the general population with a frequency below the threshold expected for the associated phenotype(s). This variant has been observed in one or more individuals affected with the associated recessive disease, as either homozygous or compound heterozygous with a second variant (PMID: 26454439, 27167370). Given the available evidence, this variant is classified as Pathogenic.

Labcorp Genetics (formerly Invitae), Labcorp
Classification: Pathogenic. Last evaluated: 2025-01-12. Review status: criteria provided, single submitter. Criteria: Invitae Variant Classification Sherloc (09022015). Collection method: clinical testing. Allele origin: germline.
Comment: This sequence change replaces arginine, which is basic and polar, with cysteine, which is neutral and slightly polar, at codon 369 of the MUT protein (p.Arg369Cys). This variant is present in population databases (rs772552898, gnomAD 0.006%). This missense change has been observed in individuals with methylmalonic acidemia (PMID: 15781199, 16281286, 17075691). ClinVar contains an entry for this variant (Variation ID: 218989). Invitae Evidence Modeling of protein sequence and biophysical properties (such as structural, functional, and spatial information, amino acid conservation, physicochemical variation, residue mobility, and thermodynamic stability) indicates that this missense variant is expected to disrupt MUT protein function with a positive predictive value of 95%. This variant disrupts the p.Arg369 amino acid residue in MUT. Other variant(s) that disrupt this residue have been determined to be pathogenic (PMID: 16281286, 25125334, 27751223; internal data). This suggests that this residue is clinically significant, and that variants that disrupt this residue are likely to be disease-causing. For these reasons, this variant has been classified as Pathogenic.

Blueprint Genetics
Classification: Pathogenic for MUT-related disorders. Last evaluated: 2024-08-20. Review status: criteria provided, single submitter. Criteria: ACMG Guidelines, 2015. Collection method: clinical testing. Allele origin: germline. Affected: yes. Observed: 3 variant alleles.

CeGaT Center for Human Genetics Tuebingen
Classification: Pathogenic. Last evaluated: 2022-01-01. Review status: criteria provided, single submitter. Criteria: CeGaT Center For Human Genetics Tuebingen Variant Classification Criteria Version 2. Collection method: clinical testing. Allele origin: germline. Affected: yes. Observed: 2 variant alleles.

Women's Health and Genetics/Laboratory Corporation of America, LabCorp
Classification: Pathogenic for Methylmalonic acidemia. Last evaluated: 2021-05-30. Review status: criteria provided, single submitter. Criteria: LabCorp Variant Classification Summary - May 2015. Collection method: clinical testing. Allele origin: germline.
Comment: Variant summary: MMUT (legacy gene name MUT) c.1105C>T (p.Arg369Cys) results in a non-conservative amino acid change located in the Methylmalonyl-CoA mutase, alpha chain, catalytic domain of the encoded protein sequence. Five of five in-silico tools predict a damaging effect of the variant on protein function. The variant allele was found at a frequency of 2e-05 in 250668 control chromosomes. c.1105C>T has been reported in the literature in multiple individuals affected with Methylmalonic Acidemia (example, Forny_2016, Jung_2004, Worgan_2006). These data indicate that the variant is very likely to be associated with disease. At least one publication reports experimental evidence evaluating an impact on protein function. The most pronounced variant effect results in propionate incorporation and Methylmalonyl-CoA mutase enzyme activity values that were considerably lower than controls (example, Forny_2016, Worgan_2006). Multiple clinical diagnostic laboratories and the Gene Reviews database have submitted clinical-significance assessments for this variant to ClinVar after 2014 without evidence for independent evaluation. All submitters classified the variant as pathogenic. Based on the evidence outlined above, the variant was classified as pathogenic.

ARUP Laboratories, Molecular Genetics and Genomics, ARUP Laboratories
Classification: Pathogenic. Last evaluated: 2020-01-09. Review status: criteria provided, single submitter. Criteria: ARUP Molecular Germline Variant Investigation Process. Collection method: clinical testing. Allele origin: germline.
Comment: The MMUT c.1105C>T; p.Arg369Cys variant (rs772552898) is reported in the literature in the compound heterozygous state with other pathogenic variants in multiple individuals affected with methylmalonic aciduria (Han 2015, Jung 2005, Nizon 2013, Sakamoto 2007, Worgan 2006). This variant is reported in ClinVar (Variation ID: 218989), and is only observed on six alleles in the Genome Aggregation Database, indicating it is not a common polymorphism. The arginine at codon 369 is highly conserved, and computational analyses (SIFT, PolyPhen-2) predict that this variant is deleterious. Additionally, another variant at this codon (c.1106G>A; p.Arg369His) has been reported in individuals with methylmalonic aciduria and is considered pathogenic (Han 2015, Jung 2005, Sakamoto 2007, Worgan 2006). Based on available information, the p.Arg369Cys variant is considered to be pathogenic. References: Han LS et al. Clinical features and MUT gene mutation spectrum in Chinese patients with isolated methylmalonic acidemia: identification of ten novel allelic variants. World J Pediatr. 2015 Nov;11(4):358-65. Jung JW et al. Mutation analysis of the MCM gene in Korean patients with MMA. Mol Genet Metab. 2005 Apr;84(4):367-70. Epub 2004 Dec 19. Nizon M et al. Long-term neurological outcome of a cohort of 80 patients with classical organic acidurias. Orphanet J Rare Dis. 2013 Sep 23;8:148. Sakamoto O et al. Mutation and haplotype analyses of the MUT gene in Japanese patients with methylmalonic acidemia. J Hum Genet. 2007;52(1):48-55. Worgan LC et al. Spectrum of mutations in mut methylmalonic acidemia and identification of a common Hispanic mutation and haplotype. Hum Mutat. 2006 Jan;27(1):31-43.

Counsyl
Classification: Pathogenic for Methylmalonic aciduria due to methylmalonyl-CoA mutase deficiency. Last evaluated: 2017-01-20. Review status: no assertion criteria provided. Collection method: clinical testing. Allele origin: unknown. Not counted in ClinVar's aggregate classification.

GeneReviews
No classification provided. Condition: Methylmalonic aciduria due to methylmalonyl-CoA mutase deficiency. Review status: no classification provided. Collection method: literature only. Allele origin: germline. Affected: yes. Not counted in ClinVar's aggregate classification.
Comment: mut0 enzymatic subtype

Literature cited by the submitters: PubMed 16281286 (cited by 3 submitters); PubMed 9285782 (cited by 3billion); PubMed 26454439 (cited by Natera, Inc. and Counsyl); PubMed 27167370 (cited by 3 submitters); PubMed 15781199 (cited by Labcorp Genetics (formerly Invitae), Labcorp and Women's Health and Genetics/Laboratory Corporation of America, LabCorp); PubMed 17075691 (cited by Labcorp Genetics (formerly Invitae), Labcorp and Counsyl); PubMed 25125334 (cited by Labcorp Genetics (formerly Invitae), Labcorp); PubMed 27751223 (cited by Labcorp Genetics (formerly Invitae), Labcorp); PubMed 26420839 (cited by Counsyl); PubMed 17957493 (cited by Counsyl); PubMed 24059531 (cited by Counsyl); PubMed 26270765 (cited by Counsyl); NCBI Bookshelf NBK1231 (cited by GeneReviews).

NM_000255.4(MMUT):c.1105C>T (p.Arg369Cys)

Gene: MMUT (methylmalonyl-CoA mutase; minus strand). Cytogenetic location: 6p12.3.
Variant type: single nucleotide variant.
Coding change: c.1105C>T on transcript NM_000255.4 (MANE Select); coding-DNA position 1105, C replaced by T.
Protein change: p.Arg369Cys; replaces arginine 369 with cysteine.
Molecular consequence: missense variant.
Genome position (GRCh38, 1-based): chr6:49,451,693, G>A on the plus strand (C>T on the coding strand, the complement: MMUT is on the minus strand). VCF-style: chr6-49451693-G-A. GRCh37 (hg19) VCF-style: chr6-49419406-G-A.
Other names: short protein forms R369C.
Identifiers: ClinVar variation 218989 (VCV000218989.65), dbSNP rs772552898, ClinGen allele CA347895.
Genomic context (GRCh38, chr6:49,451,693, plus strand): 5'-AATTTGTGTGCAAAGACTGAGTCCCTCCAAATACTGCTGCCATTGCTTCTATTGCAGTAC[G>A]GACAATATTATTGTAGGGATCCTAAAATATTTGATAAAAAACAAAAACTCAAAGAAACAG-3'
Protein context (NP_000246.2, residues 359-379): TEQDPYNNIV[Arg369Cys]TAIEAMAAVF